The following is an entry in ClinVar:

ClinVar aggregate classification (germline): Uncertain significance (1 of 4 stars; one submission).

Conditions:
Glanzmann thrombasthenia. Also called: PLATELET GLYCOPROTEIN IIb-IIIa DEFICIENCY; BLEEDING DISORDER, PLATELET-TYPE, 2; THROMBASTHENIA OF GLANZMANN AND NAEGELI; Thrombasthenia; Glanzmann's thrombasthenia. Identifiers: Orphanet 849, MedGen C0040015, MONDO:0100326.

Submission:

Labcorp Genetics (formerly Invitae), Labcorp
Classification: Uncertain significance for Glanzmann thrombasthenia. Last evaluated: 2023-11-13. Review status: criteria provided, single submitter. Criteria: Invitae Variant Classification Sherloc (09022015). Collection method: clinical testing. Allele origin: germline.
Comment: This sequence change falls in intron 4 of the ITGA2B gene. It does not directly change the encoded amino acid sequence of the ITGA2B protein. This variant is not present in population databases (gnomAD no frequency). This variant has not been reported in the literature in individuals affected with ITGA2B-related conditions. Algorithms developed to predict the effect of sequence changes on RNA splicing suggest that this variant may disrupt the consensus splice site. In summary, the available evidence is currently insufficient to determine the role of this variant in disease. Therefore, it has been classified as a Variant of Uncertain Significance.

NM_000419.5(ITGA2B):c.575-10T>A

Gene: ITGA2B (integrin subunit alpha 2b; minus strand). Cytogenetic location: 17q21.31.
Variant type: single nucleotide variant.
Coding change: c.575-10T>A on transcript NM_000419.5 (MANE Select); 10 bases into the intron before coding-DNA position 575, T replaced by A.
Molecular consequence: intron variant.
Genome position (GRCh38, 1-based): chr17:44,385,345, A>T on the plus strand (T>A on the coding strand, the complement: ITGA2B is on the minus strand). VCF-style: chr17-44385345-A-T. GRCh37 (hg19) VCF-style: chr17-42462713-A-T.
Identifiers: ClinVar variation 2999563 (VCV002999563.3), dbSNP rs2510084281, ClinGen allele CA2740093764.